The following is an entry in ClinVar:

NM_021625.5(TRPV4):c.2398G>A (p.Gly800Ser)

Gene: TRPV4 (transient receptor potential cation channel subfamily V member 4; minus strand). Cytogenetic location: 12q24.11.
Variant type: single nucleotide variant.
Coding change: c.2398G>A on transcript NM_021625.5 (MANE Select); coding-DNA position 2398, G replaced by A.
Protein change: p.Gly800Ser; replaces glycine 800 with serine.
Molecular consequence: missense variant.
Genome position (GRCh38, 1-based): chr12:109,784,376, C>T on the plus strand (G>A on the coding strand, the complement: TRPV4 is on the minus strand). VCF-style: chr12-109784376-C-T. GRCh37 (hg19) VCF-style: chr12-110222181-C-T.
Other names: c.2257G>A, p.Gly753Ser (NM_001177428.2); c.2296G>A, p.Gly766Ser (NM_001177431.2); c.2077G>A, p.Gly693Ser (NM_001177433.2); c.2218G>A, p.Gly740Ser (NM_147204.3); short protein forms G693S, G740S, G753S, G766S, G800S.
Identifiers: ClinVar variation 2633225 (VCV002633225.1), dbSNP rs2548708715, ClinGen allele CA386648810.
Genomic context (GRCh38, chr12:109,784,376, plus strand): 5'-CCCTGCGGAGGCGGCCCACGGTATGCGAGAAGCCATAATACTGGTAGGTCTCATTCTTGC[C>T]CGGGTCCTCGTTGATGATGCCCAAGTTCTGGTTCCAGTGAGACCAGTTCACCTCATCCAC-3'
Protein context (NP_067638.3, residues 790-810): QNLGIINEDP[Gly800Ser]KNETYQYYGF

ClinVar aggregate classification (germline): Uncertain significance (1 of 4 stars; one submission).

Conditions:
TRPV4-related disorder. Also called: TRPV4-related disorders; TRPV4-related condition.

Submission:

PreventionGenetics, part of Exact Sciences
Classification: Uncertain significance for TRPV4-related condition. Last evaluated: 2023-04-15. Review status: criteria provided, single submitter. Criteria: ACMG Guidelines, 2015. Collection method: clinical testing. Allele origin: germline.
Comment: The TRPV4 c.2398G>A variant is predicted to result in the amino acid substitution p.Gly800Ser. To our knowledge, this variant has not been reported in the literature or in a large population database, indicating this variant is rare. A different nucleotide substitution affecting the same amino acid (p.Gly800Asp) has been reported in an individual with metatropic dysplasia (Hurd et al. 2015. PubMed ID: 26249260). At this time, the clinical significance of the c.2398G>A (p.Gly800Ser) variant is uncertain due to the absence of conclusive functional and genetic evidence.